The following is an entry in ClinVar:

ClinVar aggregate classification (germline): Likely benign. Review status: criteria provided, multiple submitters, no conflicts (2 of 4 stars). 2 submissions from 2 submitters: Likely benign (2). Last evaluated 2023-02-18.

Conditions:
Muscular dystrophy-dystroglycanopathy (congenital with brain and eye anomalies), type a, 11 (MDDGA11). Also called: Congenital muscular dystrophy-dystroglycanopathy with brain and eye anomalies, type A11; Muscular dystrophy-dystroglycanopathy (congenital with brain and eye anomalies, type A, 11; WALKER-WARBURG SYNDROME OR MUSCLE-EYE-BRAIN DISEASE, B3GALNT2-RELATED. Identifiers: Orphanet 588, Orphanet 899, MedGen C3554638, MONDO:0014071, OMIM 615181.

gnomAD v4.1: 20 of 1,613,966 alleles (0.0012%); highest among the groups gnomAD compares: Non-Finnish European, 0.0017%; no homozygotes.

Submissions (2):

Labcorp Genetics (formerly Invitae), Labcorp
Classification: Likely benign for Muscular dystrophy-dystroglycanopathy (congenital with brain and eye anomalies), type a, 11. Last evaluated: 2023-02-18. Review status: criteria provided, single submitter. Criteria: Invitae Variant Classification Sherloc (09022015). Collection method: clinical testing. Allele origin: germline.

CeGaT Center for Human Genetics Tuebingen
Classification: Likely benign. Last evaluated: 2023-02-01. Review status: criteria provided, single submitter. Criteria: CeGaT Center For Human Genetics Tuebingen Variant Classification Criteria Version 2. Collection method: clinical testing. Allele origin: germline. Affected: yes. Observed: 1 variant allele.
Comment: B3GALNT2: BP4, BP7

NM_152490.5(B3GALNT2):c.1468C>A (p.Arg490=)

Genes: B3GALNT2 (beta-1,3-N-acetylgalactosaminyltransferase 2; minus strand), TBCE (tubulin folding cofactor E; plus strand). Cytogenetic location: 1q42.3.
Variant type: single nucleotide variant.
Coding change: c.1468C>A on transcript NM_152490.5 (MANE Select); coding-DNA position 1468, C replaced by A.
Protein change: p.Arg490=; no amino-acid change (arginine 490 retained).
Molecular consequence: synonymous variant. On other transcripts: 3 prime UTR variant (4).
Genome position (GRCh38, 1-based): chr1:235,450,241, G>T on the plus strand (C>A on the coding strand, the complement: B3GALNT2 is on the minus strand). VCF-style: chr1-235450241-G-T. GRCh37 (hg19) VCF-style: chr1-235613556-G-T.
Other names: c.*1479G>T (NM_001079515.3, NM_001287801.2, NM_001287802.2 and 1 more transcripts).
Identifiers: ClinVar variation 1119344 (VCV001119344.35), dbSNP rs751445150, ClinGen allele CA1464578.
Genomic context (GRCh38, chr1:235,450,241, plus strand): 5'-TAGACTCTGCTAATTCAAGTCCCTGTTATCTTGCTTGACATCGACAAGGATCACCGCACC[G>T]TTCCTTCAGTTTCCACAGTTCCGTCAGTTCCCACGGAGAATACTGAGGAGAAGACAGCAT-3'
Protein context (NP_689703.1, residues 480-500): ELTELWKLKE[Arg490=]CGDPCRCQAR